The following is an entry in ClinVar:

NM_004333.6(BRAF):c.1799_1800delinsAC (p.Val600Asp)

Gene: BRAF (B-Raf proto-oncogene, serine/threonine kinase; minus strand). Cytogenetic location: 7q34.
Variant type: Indel.
Coding change: c.1799_1800delinsAC on transcript NM_004333.6 (MANE Select); coding-DNA positions 1799 to 1800, TG replaced by AC.
Protein change: p.Val600Asp; replaces valine 600 with aspartic acid.
Molecular consequence: missense variant.
Genome position (GRCh38, 1-based): chr7:140,753,335-140,753,336, CA replaced by GT on the plus strand (TG replaced by AC on the coding strand, the reverse complement: BRAF is on the minus strand). VCF-style: chr7-140753335-CA-GT. GRCh37 (hg19) VCF-style: chr7-140453135-CA-GT.
Other names: c.1799_1800delinsAC, p.Val600Asp (NM_001354609.2, NM_001378468.1, NM_001378474.1); c.1919_1920delinsAC, p.Val640Asp (NM_001374244.1, NM_001374258.1); c.1808_1809delinsAC, p.Val603Asp (NM_001378467.1); c.1733_1734delinsAC, p.Val578Asp (NM_001378469.1); c.1697_1698delinsAC, p.Val566Asp (NM_001378470.1); c.1688_1689delinsAC, p.Val563Asp (NM_001378471.1); c.1643_1644delinsAC, p.Val548Asp (NM_001378472.1, NM_001378473.1); c.1535_1536delinsAC, p.Val512Asp (NM_001378475.1); short protein forms V512D, V548D, V563D, V566D, V578D, V600D, V603D, V640D.
Identifiers: ClinVar variation 2498282 (VCV002498282.2), dbSNP rs121913377, ClinGen allele CA645544093.

ClinVar aggregate classification (germline): Uncertain significance (0 of 4 stars; one submission).

Conditions:
Melanoma. Identifiers: MedGen C0025202, MeSH D008545, MONDO:0005105, HP:0002861.

Submission:

Dave Chen Lab, Washington University School of Medicine
Classification: Uncertain significance for Melanoma. Last evaluated: 2023-03-28. Review status: no assertion criteria provided. Collection method: research. Allele origin: somatic. Affected: yes.